The following is an entry in ClinVar:

NM_004213.5(SLC28A1):c.958-9T>C

Gene: SLC28A1 (solute carrier family 28 member 1; plus strand). Cytogenetic location: 15q25.3.
Variant type: single nucleotide variant.
Coding change: c.958-9T>C on transcript NM_004213.5 (MANE Select); 9 bases into the intron before coding-DNA position 958, T replaced by C.
Molecular consequence: intron variant.
Genome position (GRCh38, 1-based): chr15:84,923,976, T>C. VCF-style: chr15-84923976-T-C. GRCh37 (hg19) VCF-style: chr15-85467207-T-C.
Other names: c.958-9T>C (NM_001321722.2, NM_001321721.2, NM_001287762.2 and 1 more transcripts).
Identifiers: ClinVar variation 3060423 (VCV003060423.2), dbSNP rs3825875, ClinGen allele CA7710660.

ClinVar aggregate classification (germline): Benign (0 of 4 stars; one submission).

Conditions:
SLC28A1-related disorder. Also called: SLC28A1-related condition.

Allele frequency attached by ClinVar (database versions not stated): TOPMed 0.38358; gnomAD exomes 0.38885; ESP Exome Variant Server 0.38888; gnomAD 0.38962; ExAC 0.39318; 1000 Genomes Project 0.40535; 1000 Genomes Project 30x 0.41037.
gnomAD v4.1: 626,555 of 1,613,304 alleles (39%); highest among the groups gnomAD compares: South Asian, 50%; 123,458 homozygotes.

Submission:

PreventionGenetics, part of Exact Sciences
Classification: Benign for SLC28A1-related condition. Last evaluated: 2019-10-31. Review status: no assertion criteria provided. Collection method: clinical testing. Allele origin: germline.
Comment: This variant is classified as benign based on ACMG/AMP sequence variant interpretation guidelines (Richards et al. 2015 PMID: 25741868, with internal and published modifications).